The following is an entry in ClinVar:

ClinVar aggregate classification (germline): Uncertain significance. Review status: criteria provided, multiple submitters, no conflicts (2 of 4 stars). 2 submissions from 2 submitters: Uncertain significance (2). Last evaluated 2021-11-23.

Conditions:
Inborn genetic diseases. Identifiers: MedGen C0950123, MeSH D030342.
T-cell immunodeficiency, congenital alopecia, and nail dystrophy. Also called: Congenital alopecia and nail dystrophy associated with severe functional T-cell immunodeficiency; Pignata Guarino syndrome. Identifiers: Orphanet 169095, MedGen C1866426, MONDO:0011132, OMIM 601705.

Allele frequency attached by ClinVar (database versions not stated): TOPMed 0.00002.
gnomAD v4.1: 10 of 1,596,676 alleles (0.00063%); highest among the groups gnomAD compares: Non-Finnish European, 0.00085%; no homozygotes.

Submissions (2):

Ambry Genetics
Classification: Uncertain significance for Inborn genetic diseases. Last evaluated: 2021-11-23. Review status: criteria provided, single submitter. Criteria: Ambry Variant Classification Scheme 2023. Collection method: clinical testing. Allele origin: germline.

Labcorp Genetics (formerly Invitae), Labcorp
Classification: Uncertain significance for T-cell immunodeficiency, congenital alopecia, and nail dystrophy. Last evaluated: 2021-08-28. Review status: criteria provided, single submitter. Criteria: Invitae Variant Classification Sherloc (09022015). Collection method: clinical testing. Allele origin: germline.
Comment: This sequence change replaces serine with arginine at codon 291 of the FOXN1 protein (p.Ser291Arg). The serine residue is highly conserved and there is a moderate physicochemical difference between serine and arginine. This variant is present in population databases (rs371766542, ExAC 0.001%). This variant has not been reported in the literature in individuals affected with FOXN1-related conditions. Algorithms developed to predict the effect of missense changes on protein structure and function are either unavailable or do not agree on the potential impact of this missense change (SIFT: "Tolerated"; PolyPhen-2: "Probably Damaging"; Align-GVGD: "Class C0"). In summary, the available evidence is currently insufficient to determine the role of this variant in disease. Therefore, it has been classified as a Variant of Uncertain Significance.

NM_001369369.1(FOXN1):c.873C>G (p.Ser291Arg)

Gene: FOXN1 (forkhead box N1; plus strand). Cytogenetic location: 17q11.2.
Variant type: single nucleotide variant.
Coding change: c.873C>G on transcript NM_001369369.1 (MANE Select); coding-DNA position 873, C replaced by G.
Protein change: p.Ser291Arg; replaces serine 291 with arginine.
Molecular consequence: missense variant.
Genome position (GRCh38, 1-based): chr17:28,530,791, C>G. VCF-style: chr17-28530791-C-G. GRCh37 (hg19) VCF-style: chr17-26857809-C-G.
Other names: c.873C>G, p.Ser291Arg (NM_003593.3); c.873C>G (NM_003593.2); short protein forms S291R.
Identifiers: ClinVar variation 1023210 (VCV001023210.4), dbSNP rs371766542, ClinGen allele CA8459384.